The following is an entry in ClinVar:

ClinVar aggregate classification (germline): Likely pathogenic (1 of 4 stars; one submission).

Conditions:
T-B+ severe combined immunodeficiency due to JAK3 deficiency. Also called: SCID, T CELL-NEGATIVE, B CELL-POSITIVE, NK CELL-NEGATIVE; SCID, autosomal recessive, T-negative/B-positive type. Identifiers: Orphanet 35078, MedGen C1833275, MONDO:0010938, OMIM 600802.

gnomAD v4.1: 1 of 1,611,638 alleles (0.000062%); highest among the groups gnomAD compares: Non-Finnish European, 0.000085%; no homozygotes.

Submission:

Lifecell International Pvt. Ltd
Classification: Likely pathogenic for T-B+ severe combined immunodeficiency due to JAK3 deficiency. Review status: criteria provided, single submitter. Criteria: ACMG Guidelines, 2015. Collection method: clinical testing. Allele origin: germline. Inheritance: Autosomal recessive inheritance. Affected: yes. Observed: 1 homozygote.
Comment: A Homozygote Splice site donor variant c.3096+1G>T in Exon 22 of the JAK3 gene that results in the amino acid substitution was identified. The observed variant novel in gnomAD exomes and genomes, respectively. The severity of the impact of this variant on the protein is high, based on the effect of the protein and REVEL score . Rare Exome Variant Ensemble Learner (REVEL) is an ensembl method for predicting the pathogenicity of missense variants based on a combination of scores from 13 individual tools: MutPred, FATHMM v2.3, VEST 3.0, PolyPhen-2, SIFT, PROVEAN, MutationAssessor, MutationTaster, LRT, GERP++, SiPhy, phyloP, and phastCons. The REVEL score for an individual missense variant can range from 0 to 1, with higher scores reflecting greater likelihood that the variant is disease-causing. Based on the above evidence this variant has been classified as Likely Pathogenic according to the ACMG guidelines.

NM_000215.4(JAK3):c.3096+1G>T

Gene: JAK3 (Janus kinase 3; minus strand). Cytogenetic location: 19p13.11.
Variant type: single nucleotide variant.
Coding change: c.3096+1G>T on transcript NM_000215.4 (MANE Select); the canonical splice donor site of the intron after coding-DNA position 3096, G replaced by T.
Molecular consequence: splice donor variant.
Genome position (GRCh38, 1-based): chr19:17,830,502, C>A on the plus strand (G>T on the coding strand, the complement: JAK3 is on the minus strand). VCF-style: chr19-17830502-C-A. GRCh37 (hg19) VCF-style: chr19-17941311-C-A.
Identifiers: ClinVar variation 2503798 (VCV002503798.1), dbSNP rs2147674472, ClinGen allele CA404764367.